The following is an entry in ClinVar:

NM_006267.5(RANBP2):c.8360T>G (p.Val2787Gly)

Gene: RANBP2 (RAN binding protein 2; plus strand). Cytogenetic location: 2q13.
Variant type: single nucleotide variant.
Coding change: c.8360T>G on transcript NM_006267.5 (MANE Select); coding-DNA position 8360, T replaced by G.
Protein change: p.Val2787Gly; replaces valine 2787 with glycine.
Molecular consequence: missense variant.
Genome position (GRCh38, 1-based): chr2:108,775,799, T>G. VCF-style: chr2-108775799-T-G. GRCh37 (hg19) VCF-style: chr2-109392255-T-G.
Other names: short protein forms V2787G.
Identifiers: ClinVar variation 959474 (VCV000959474.7), dbSNP rs367864778, ClinGen allele CA1823821.

ClinVar aggregate classification (germline): Uncertain significance (1 of 4 stars; one submission).

Conditions:
Familial acute necrotizing encephalopathy (IIAE3). Also called: ENCEPHALOPATHY, ACUTE, INFECTION-INDUCED, SUSCEPTIBILITY TO, 3; Susceptibility to Acute Necrotizing Encephalopathy 1. Identifiers: Orphanet 88619, MedGen C2675556, MONDO:0011953, OMIM 608033.

Allele frequency attached by ClinVar (database versions not stated): ExAC 0.00002; gnomAD exomes 0.00002 and 0.00003; gnomAD 0.00003; TOPMed 0.00003; ESP Exome Variant Server 0.00008.
gnomAD v4.1: 31 of 1,613,806 alleles (0.0019%); highest among the groups gnomAD compares: Non-Finnish European, 0.0025%; no homozygotes.

Submission:

Labcorp Genetics (formerly Invitae), Labcorp
Classification: Uncertain significance for Familial acute necrotizing encephalopathy. Last evaluated: 2022-07-19. Review status: criteria provided, single submitter. Criteria: Invitae Variant Classification Sherloc (09022015). Collection method: clinical testing. Allele origin: germline.
Comment: Algorithms developed to predict the effect of missense changes on protein structure and function (SIFT, PolyPhen-2, Align-GVGD) all suggest that this variant is likely to be tolerated. In summary, the available evidence is currently insufficient to determine the role of this variant in disease. Therefore, it has been classified as a Variant of Uncertain Significance. ClinVar contains an entry for this variant (Variation ID: 959474). This variant has not been reported in the literature in individuals affected with RANBP2-related conditions. This variant is present in population databases (rs367864778, gnomAD 0.006%). This sequence change replaces valine, which is neutral and non-polar, with glycine, which is neutral and non-polar, at codon 2787 of the RANBP2 protein (p.Val2787Gly).